The following is an entry in ClinVar:

NM_015272.5(RPGRIP1L):c.2474A>G (p.His825Arg)

Gene: RPGRIP1L (RPGRIP1 like; minus strand). Cytogenetic location: 16q12.2.
Variant type: single nucleotide variant.
Coding change: c.2474A>G on transcript NM_015272.5 (MANE Select); coding-DNA position 2474, A replaced by G.
Protein change: p.His825Arg; replaces histidine 825 with arginine.
Molecular consequence: missense variant.
Genome position (GRCh38, 1-based): chr16:53,645,834, T>C on the plus strand (A>G on the coding strand, the complement: RPGRIP1L is on the minus strand). VCF-style: chr16-53645834-T-C. GRCh37 (hg19) VCF-style: chr16-53679746-T-C.
Other names: c.2474A>G, p.His825Arg (NM_001127897.4, NM_001308334.3, NM_001330538.2); short protein forms H825R.
Identifiers: ClinVar variation 937727 (VCV000937727.6), dbSNP rs752772082, ClinGen allele CA8057536.

ClinVar aggregate classification (germline): Uncertain significance. Review status: criteria provided, multiple submitters, no conflicts (2 of 4 stars). 3 submissions from 3 submitters: Uncertain significance (2). 1 of the submissions does not count toward it. Last evaluated 2022-02-05.

Conditions:
Meckel-Gruber syndrome. Also called: Dysencephalia splachnocystica; DYSENCEPHALIA SPLANCHNOCYSTICA; GRUBER SYNDROME. Identifiers: Orphanet 564, MedGen C0265215, MONDO:0018921.
Joubert syndrome. Also called: Familial aplasia of the vermis; CEREBELLOPARENCHYMAL DISORDER IV; JOUBERT-BOLTSHAUSER SYNDROME. Identifiers: Orphanet 475, MedGen C5979921, MONDO:0018772.
Joubert syndrome 7 (JBTS7). Identifiers: Orphanet 220497, MedGen C1969053, MONDO:0012694, OMIM 611560.
COACH syndrome 3. Identifiers: MedGen C5436841, MONDO:0030862, OMIM 619113.
Meckel syndrome, type 5 (MKS5). Identifiers: Orphanet 564, MedGen C1969052, MONDO:0012695, OMIM 611561.

Allele frequency attached by ClinVar (database versions not stated): gnomAD exomes 0.00002 and 0.00001; gnomAD 0.00001; TOPMed 0.00001; ExAC 0.00002.
gnomAD v4.1: 7 of 1,614,020 alleles (0.00043%); highest among the groups gnomAD compares: Middle Eastern, 0.016%; no homozygotes.

Submissions (3):

Labcorp Genetics (formerly Invitae), Labcorp
Classification: Uncertain significance for Joubert syndrome; Meckel-Gruber syndrome. Last evaluated: 2022-02-05. Review status: criteria provided, single submitter. Criteria: Invitae Variant Classification Sherloc (09022015). Collection method: clinical testing. Allele origin: germline.
Comment: This sequence change replaces histidine, which is basic and polar, with arginine, which is basic and polar, at codon 825 of the RPGRIP1L protein (p.His825Arg). This variant is present in population databases (rs752772082, gnomAD 0.003%). This variant has not been reported in the literature in individuals affected with RPGRIP1L-related conditions. ClinVar contains an entry for this variant (Variation ID: 937727). Algorithms developed to predict the effect of missense changes on protein structure and function are either unavailable or do not agree on the potential impact of this missense change (SIFT: "Deleterious"; PolyPhen-2: "Probably Damaging"; Align-GVGD: "Class C0"). In summary, the available evidence is currently insufficient to determine the role of this variant in disease. Therefore, it has been classified as a Variant of Uncertain Significance.

Fulgent Genetics
Classification: Uncertain significance for Joubert syndrome 7; Meckel syndrome, type 5; COACH syndrome 3. Last evaluated: 2021-07-21. Review status: criteria provided, single submitter. Criteria: ACMG Guidelines, 2015. Collection method: clinical testing. Allele origin: unknown.

Natera, Inc.
Classification: Uncertain significance for Joubert syndrome. Last evaluated: 2021-04-09. Review status: no assertion criteria provided. Collection method: clinical testing. Allele origin: germline. Not counted in ClinVar's aggregate classification.